The following is an entry in ClinVar:

ClinVar aggregate classification (germline): Uncertain significance (1 of 4 stars; one submission).

Submission:

GeneDx
Classification: Uncertain significance. Last evaluated: 2026-04-07. Review status: criteria provided, single submitter. Criteria: GeneDx Variant Classification Process June 2021. Collection method: clinical testing. Allele origin: germline.
Comment: Not observed at significant frequency in large population cohorts (gnomAD); In silico analysis supports that this missense variant has a deleterious effect on protein structure/function; Has not been previously published as pathogenic or benign to our knowledge

NM_016148.5(SHANK1):c.3871G>T (p.Gly1291Cys)

Gene: SHANK1 (SH3 and multiple ankyrin repeat domains 1; minus strand). Cytogenetic location: 19q13.33.
Variant type: single nucleotide variant.
Coding change: c.3871G>T on transcript NM_016148.5 (MANE Select); coding-DNA position 3871, G replaced by T.
Protein change: p.Gly1291Cys; replaces glycine 1291 with cysteine.
Molecular consequence: missense variant.
Genome position (GRCh38, 1-based): chr19:50,668,089, C>A on the plus strand (G>T on the coding strand, the complement: SHANK1 is on the minus strand). VCF-style: chr19-50668089-C-A. GRCh37 (hg19) VCF-style: chr19-51171346-C-A.
Other names: short protein forms G1291C.
Identifiers: ClinVar variation 5018213 (VCV005018213.1).